The following is an entry in ClinVar:

NM_001378452.1(ITPR1):c.*279A>G

Gene: ITPR1 (inositol 1,4,5-trisphosphate receptor type 1; plus strand). Cytogenetic location: 3p26.1.
Variant type: single nucleotide variant.
Coding change: c.*279A>G on transcript NM_001378452.1 (MANE Select); 279 bases downstream of the stop codon, A replaced by G.
Molecular consequence: 3 prime UTR variant.
Genome position (GRCh38, 1-based): chr3:4,846,504, A>G. VCF-style: chr3-4846504-A-G. GRCh37 (hg19) VCF-style: chr3-4888188-A-G.
Other names: c.*279A>G (NM_001099952.4, NM_001168272.2, NM_002222.7).
Identifiers: ClinVar variation 345900 (VCV000345900.33), dbSNP rs886058645, ClinGen allele CA10616193.

ClinVar aggregate classification (germline): Conflicting classifications of pathogenicity. Review status: criteria provided, conflicting classifications (1 of 4 stars). 2 submissions from 2 submitters: Uncertain significance (1); Likely benign (1). Last evaluated 2023-02-01.

Conditions:
Autosomal dominant cerebellar ataxia. Also called: Spinocerebellar Ataxia, Dominant. Identifiers: Orphanet 99, MedGen C4087347, MONDO:0020380.

Allele frequency attached by ClinVar (database versions not stated): gnomAD 0.00029; TOPMed 0.00030.
gnomAD v4.1: 101 of 263,676 alleles (0.038%); highest among the groups gnomAD compares: Admixed American, 0.047%; no homozygotes.

Submissions (2):

CeGaT Center for Human Genetics Tuebingen
Classification: Likely benign. Last evaluated: 2023-02-01. Review status: criteria provided, single submitter. Criteria: CeGaT Center For Human Genetics Tuebingen Variant Classification Criteria Version 2. Collection method: clinical testing. Allele origin: germline. Affected: yes. Observed: 1 variant allele.
Comment: ITPR1: BP5

Illumina Laboratory Services, Illumina
Classification: Uncertain significance for Spinocerebellar Ataxia, Dominant. Last evaluated: 2018-01-13. Review status: criteria provided, single submitter. Criteria: ICSL Variant Classification Criteria 13 December 2019. Collection method: clinical testing. Allele origin: germline.